The following is an entry in ClinVar:

ClinVar aggregate classification (germline): Uncertain significance (1 of 4 stars; one submission).

Conditions:
Hereditary cancer-predisposing syndrome. Also called: Hereditary Cancer Syndrome; Hereditary neoplastic syndrome; Neoplastic Syndromes, Hereditary; Tumor predisposition. Identifiers: Orphanet 140162, MedGen C0027672, MeSH D009386, MONDO:0015356.

Submission:

Sema4
Classification: Uncertain significance for Hereditary cancer-predisposing syndrome. Last evaluated: 2022-03-08. Review status: criteria provided, single submitter. Criteria: Sema4 Curation Guidelines. Collection method: curation. Allele origin: germline.
Comment: The PMS2 c.1228G>C (p.E410Q) variant has not been reported in the literature to our knowledge. This variant is not observed in the large and broad cohorts of the Genome Aggregation Database (PMID: 32461654). This variant has not been reported in ClinVar. Functional studies have not been performed, and in silico predictions of the variant's effect on protein function are inconclusive. The evidence is insufficient to meet ACMG/AMP criteria for classifying the variant as benign or pathogenic. Thus, the clinical significance of this variant is currently uncertain.

NM_000535.7(PMS2):c.1228G>C (p.Glu410Gln)

Gene: PMS2 (PMS1 homolog 2, mismatch repair system component; minus strand). Cytogenetic location: 7p22.1.
Variant type: single nucleotide variant.
Coding change: c.1228G>C on transcript NM_000535.7 (MANE Select); coding-DNA position 1228, G replaced by C.
Protein change: p.Glu410Gln; replaces glutamic acid 410 with glutamine.
Molecular consequence: missense variant. On other transcripts: non-coding transcript variant (1).
Genome position (GRCh38, 1-based): chr7:5,987,537, C>G on the plus strand (G>C on the coding strand, the complement: PMS2 is on the minus strand). VCF-style: chr7-5987537-C-G. GRCh37 (hg19) VCF-style: chr7-6027168-C-G.
Other names: c.823G>C, p.Glu275Gln (NM_001322003.2, NM_001322004.2, NM_001322005.2 and 1 more transcripts); c.1072G>C, p.Glu358Gln (NM_001322006.2); c.910G>C, p.Glu304Gln (NM_001322007.2, NM_001322008.2); c.667G>C, p.Glu223Gln (NM_001322010.2); c.295G>C, p.Glu99Gln (NM_001322011.2, NM_001322012.2); c.655G>C, p.Glu219Gln (NM_001322013.2); c.1228G>C, p.Glu410Gln (NM_001322014.2); c.919G>C, p.Glu307Gln (NM_001322015.2); short protein forms E219Q, E223Q, E275Q, E304Q, E307Q, E358Q, E410Q, E99Q.
Identifiers: ClinVar variation 1692455 (VCV001692455.1), dbSNP rs1358586679, ClinGen allele CA366742526.
Genomic context (GRCh38, chr7:5,987,537, plus strand): 5'-TTGTGTGACGAAGAGAAAAGGCCTCTCGCAGTCTGGAAATGGACACGTCTTTTTTTTCTT[C>G]TCCAGTCCTTAATGAAGGGGATTGATCCTGCTTTTCTACCATGGGCTTTTCCAAATCCGC-3'
Protein context (NP_000526.2, residues 400-420): QDQSPSLRTG[Glu410Gln]EKKDVSISRL